The following is an entry in ClinVar:

ClinVar aggregate classification (germline): Uncertain significance (1 of 4 stars; one submission).

Conditions:
Inborn genetic diseases. Identifiers: MedGen C0950123, MeSH D030342.

Submission:

Ambry Genetics
Classification: Uncertain significance for Inborn genetic diseases. Last evaluated: 2025-11-15. Review status: criteria provided, single submitter. Criteria: Ambry Variant Classification Scheme 2023. Collection method: clinical testing. Allele origin: germline.
Comment: The p.Y859S variant (also known as c.2576A>C), located in coding exon 1 of the SAMD9L gene, results from an A to C substitution at nucleotide position 2576. The tyrosine at codon 859 is replaced by serine, an amino acid with dissimilar properties. This amino acid position is conserved. In addition, this alteration is predicted to be tolerated by in silico analysis. Based on the available evidence, the clinical significance of this variant remains unclear.

NM_152703.5(SAMD9L):c.2576A>C (p.Tyr859Ser)

Gene: SAMD9L (sterile alpha motif domain containing 9 like; minus strand). Cytogenetic location: 7q21.2.
Variant type: single nucleotide variant.
Coding change: c.2576A>C on transcript NM_152703.5 (MANE Select); coding-DNA position 2576, A replaced by C.
Protein change: p.Tyr859Ser; replaces tyrosine 859 with serine.
Molecular consequence: missense variant.
Genome position (GRCh38, 1-based): chr7:93,133,396, T>G on the plus strand (A>C on the coding strand, the complement: SAMD9L is on the minus strand). VCF-style: chr7-93133396-T-G. GRCh37 (hg19) VCF-style: chr7-92762709-T-G.
Other names: c.2576A>C, p.Tyr859Ser (NM_001303496.3, NM_001303497.3, NM_001303498.3 and 5 more transcripts); short protein forms Y859S.
Identifiers: ClinVar variation 4630120 (VCV004630120.1).